The following is an entry in ClinVar:

ClinVar aggregate classification (germline): Pathogenic (1 of 4 stars; one submission).

Conditions:
Hereditary cancer-predisposing syndrome. Also called: Neoplastic Syndromes, Hereditary; Tumor predisposition; Hereditary Cancer Syndrome; Hereditary neoplastic syndrome. Identifiers: Orphanet 140162, MedGen C0027672, MeSH D009386, MONDO:0015356.

Submission:

Ambry Genetics
Classification: Pathogenic for Hereditary cancer-predisposing syndrome. Last evaluated: 2025-12-24. Review status: criteria provided, single submitter. Criteria: Ambry Variant Classification Scheme 2023. Collection method: clinical testing. Allele origin: germline.
Comment: The c.37delG pathogenic mutation, located in coding exon 1 of the PALB2 gene, results from a deletion of one nucleotide at nucleotide position 37, causing a translational frameshift with a predicted alternate stop codon (p.E13Rfs*5). This variant is considered to be rare based on population cohorts in the Genome Aggregation Database (gnomAD). This alteration is expected to result in loss of function by premature protein truncation or nonsense-mediated mRNA decay. As such, this alteration is interpreted as a disease-causing mutation.

NM_024675.4(PALB2):c.37del (p.Glu13fs)

Gene: PALB2 (partner and localizer of BRCA2; minus strand). Cytogenetic location: 16p12.2.
Variant type: Deletion.
Coding change: c.37del on transcript NM_024675.4 (MANE Select); coding-DNA position 37, one base deleted (G; older notation c.37delG).
Protein change: p.Glu13fs; shifts the reading frame from glutamic acid 13.
Molecular consequence: frameshift variant. On other transcripts: 5 prime UTR variant (8), intron variant (2).
Genome position (GRCh38, 1-based): chr16:23,641,121, C deleted on the plus strand (G on the coding strand, the reverse complement: PALB2 is on the minus strand); the first of 2 consecutive C bases (chr16:23,641,121-23,641,122); deleting either gives the same sequence. VCF-style (leftmost placement, unchanged base first): chr16-23641120-TC-T. GRCh37 (hg19) VCF-style: chr16-23652441-TC-T.
Other names: c.37del, p.Glu13fs (NM_001407300.1, NM_001407301.1, NM_001407302.1 and 5 more transcripts); c.-1707del (NM_001407304.1, NM_001407310.1); c.-983del (NM_001407305.1, NM_001407307.1, NM_001407309.1 and 1 more transcripts); c.-116del (NM_001407312.1, NM_001407313.1); c.-838+6del (NM_001407308.1, NM_001407306.1); c.37delG (NM_024675.3); short protein forms E13fs.
Identifiers: ClinVar variation 4843734 (VCV004843734.1).
Genomic context (GRCh38, chr16:23,641,120, plus strand): 5'-GGGAAAGCGGGGTCAGAGTCCTGCGTCCGCCCTTCCCGCACCCCCGGCACCTTTTCCTTC[TC>T]CTCACAGCTGAGGGGCTTCCCGGGAGGCTCGTCCATCGGGCAGGCGACAGAACGAAAAGA-3'